The following is an entry in ClinVar:

ClinVar aggregate classification (germline): Uncertain significance (1 of 4 stars; one submission).

gnomAD v4.1: 2 of 1,614,154 alleles (0.00012%); highest among the groups gnomAD compares: South Asian, 0.0011%; no homozygotes.

Submission:

Labcorp Genetics (formerly Invitae), Labcorp
Classification: Uncertain significance. Last evaluated: 2025-02-13. Review status: criteria provided, single submitter. Criteria: Invitae Variant Classification Sherloc (09022015). Collection method: clinical testing. Allele origin: germline.
Comment: This sequence change replaces arginine, which is basic and polar, with leucine, which is neutral and non-polar, at codon 727 of the ARID1A protein (p.Arg727Leu). This variant is not present in population databases (gnomAD no frequency). This variant has not been reported in the literature in individuals affected with ARID1A-related conditions. ClinVar contains an entry for this variant (Variation ID: 2087083). Invitae Evidence Modeling of protein sequence and biophysical properties (such as structural, functional, and spatial information, amino acid conservation, physicochemical variation, residue mobility, and thermodynamic stability) has been performed for this missense variant. However, the output from this modeling did not meet the statistical confidence thresholds required to predict the impact of this variant on ARID1A protein function. In summary, the available evidence is currently insufficient to determine the role of this variant in disease. Therefore, it has been classified as a Variant of Uncertain Significance.

NM_006015.6(ARID1A):c.2180G>T (p.Arg727Leu)

Gene: ARID1A (AT-rich interaction domain 1A; plus strand). Cytogenetic location: 1p36.11.
Variant type: single nucleotide variant.
Coding change: c.2180G>T on transcript NM_006015.6 (MANE Select); coding-DNA position 2180, G replaced by T.
Protein change: p.Arg727Leu; replaces arginine 727 with leucine.
Molecular consequence: missense variant.
Genome position (GRCh38, 1-based): chr1:26,761,402, G>T. VCF-style: chr1-26761402-G-T. GRCh37 (hg19) VCF-style: chr1-27087893-G-T.
Other names: c.2180G>T, p.Arg727Leu (NM_139135.4); short protein forms R727L.
Identifiers: ClinVar variation 2087083 (VCV002087083.4), dbSNP rs376482571, ClinGen allele CA339154681.